The following is an entry in ClinVar:

ClinVar aggregate classification (germline): Conflicting classifications of pathogenicity. Review status: criteria provided, conflicting classifications (1 of 4 stars). 8 submissions from 8 submitters: Uncertain significance (7); Likely benign (1). Last evaluated 2025-08-09.

Conditions:
Monogenic diabetes. Identifiers: Orphanet 183625, MedGen C3888631, MONDO:0015967.
BSCL2-related disorder. Also called: BSCL2-Related Disorders; BSCL2-related condition.
Congenital generalized lipodystrophy type 2 (CGL2). Also called: BERARDINELLI SYNDROME; BRUNZELL SYNDROME, BSCL2-RELATED; Berardinelli-Seip Congenital Lipodystrophy Type 2; SEIP SYNDROME. Identifiers: Orphanet 528, Orphanet 696289, MedGen C1720863, MONDO:0010020, OMIM 269700.
Neuronopathy, distal hereditary motor, type 5C. Also called: NEURONOPATHY, DISTAL HEREDITARY MOTOR, AUTOSOMAL DOMINANT 13; DHMN VC; NEURONOPATHY, DISTAL HEREDITARY MOTOR, HARDING TYPE VC; NEUROPATHY, DISTAL HEREDITARY MOTOR, HARDING TYPE VC; SPINAL MUSCULAR ATROPHY, DISTAL, HARDING TYPE VC. Identifiers: MedGen C5436838, MONDO:0030860, OMIM 619112.
Severe neurodegenerative syndrome with lipodystrophy. Also called: ENCEPHALOPATHY, PROGRESSIVE, WITH LIPODYSTROPHY; Encephalopathy, progressive, with or without lipodystrophy. Identifiers: Orphanet 363400, MedGen C4014700, MONDO:0014402, OMIM 615924.
Hereditary spastic paraplegia 17. Also called: Silver spastic paraplegia syndrome; Spastic Paraplegia 17; Autosomal dominant spastic paraplegia type 17; Silver Syndrome; SPASTIC PARAPLEGIA WITH AMYOTROPHY OF HANDS AND FEET. Identifiers: Orphanet 100998, MedGen C2931276, MONDO:0010043, OMIM 270685.
Inborn genetic diseases. Identifiers: MedGen C0950123, MeSH D030342.
Charcot-Marie-Tooth disease type 2. Also called: Charcot-Marie-Tooth type 2. Identifiers: Orphanet 64746, MedGen C0270914, MONDO:0018993.

Submissions (8):

GeneDx
Classification: Uncertain significance. Last evaluated: 2025-08-09. Review status: criteria provided, single submitter. Criteria: GeneDx Variant Classification Process June 2021. Collection method: clinical testing. Allele origin: germline.
Comment: In-frame deletion of 2 amino acids in a non-repeat region; In silico analysis suggests that this variant does not alter protein structure/function; Has not been previously published as pathogenic or benign to our knowledge

Labcorp Genetics (formerly Invitae), Labcorp
Classification: Uncertain significance for Charcot-Marie-Tooth disease type 2. Last evaluated: 2025-06-05. Review status: criteria provided, single submitter. Criteria: Invitae Variant Classification Sherloc (09022015). Collection method: clinical testing. Allele origin: germline.
Comment: This variant, c.1113_1118del, results in the deletion of 2 amino acid(s) of the BSCL2 protein (p.Ser372_Ala373del), but otherwise preserves the integrity of the reading frame. This variant is present in population databases (rs778093697, gnomAD 0.07%). This variant has not been reported in the literature in individuals affected with BSCL2-related conditions. ClinVar contains an entry for this variant (Variation ID: 393431). In summary, the available evidence is currently insufficient to determine the role of this variant in disease. Therefore, it has been classified as a Variant of Uncertain Significance.

PreventionGenetics, part of Exact Sciences
Classification: Uncertain significance for BSCL2-related condition. Last evaluated: 2025-05-20. Review status: criteria provided, single submitter. Criteria: ACMG Guidelines, 2015. Collection method: clinical testing. Allele origin: germline.
Comment: The BSCL2 c.1305_1310del6 variant is predicted to result in an in-frame deletion (p.Ser436_Ala437del). To our knowledge, this variant has not been reported in the literature. This variant is reported in 0.068% of alleles in individuals of African descent in gnomAD. At this time, the clinical significance of this variant is uncertain due to the absence of conclusive functional and genetic evidence.

Mayo Clinic Laboratories, Mayo Clinic
Classification: Uncertain significance. Last evaluated: 2024-05-09. Review status: criteria provided, single submitter. Criteria: ACMG Guidelines, 2015. Collection method: clinical testing. Allele origin: germline. Observed: 1 variant allele.
Comment: BP4, PM4

Fulgent Genetics
Classification: Uncertain significance for Congenital generalized lipodystrophy type 2; Hereditary spastic paraplegia 17; Severe neurodegenerative syndrome with lipodystrophy; Neuronopathy, distal hereditary motor, type 5C. Last evaluated: 2022-02-12. Review status: criteria provided, single submitter. Criteria: ACMG Guidelines, 2015. Collection method: clinical testing. Allele origin: unknown.

Ambry Genetics
Classification: Likely benign for Inborn genetic diseases. Last evaluated: 2020-08-08. Review status: criteria provided, single submitter. Criteria: Ambry Variant Classification Scheme 2023. Collection method: clinical testing. Allele origin: germline.

Personalized Diabetes Medicine Program, University of Maryland School of Medicine
Classification: Uncertain significance for Monogenic diabetes. Last evaluated: 2015-09-03. Review status: criteria provided, single submitter. Criteria: ACMG Guidelines, 2015. Collection method: research. Allele origin: unknown. Observed: 1 variant allele, 1 heterozygote.
Comment: ACMG Criteria: PM4, BP4

Clinical Genomics, Uppaluri K&H Personalized Medicine Clinic
Classification: Uncertain significance for Congenital generalized lipodystrophy type 2. Review status: criteria provided, single submitter. Criteria: K And H Uppaluri Personalized Medicine Clinic Variant Classification And Assertion Criteria Updated V 2. Collection method: research. Allele origin: unknown. Inheritance: Autosomal recessive inheritance.
Comment: Potent mutations in BSCL2 gene are associated with Congenital generalized lipodystrophy, type 2, which can present with insulin resistance, fatty liver and diabetes.However, the role of this particular variant rs747175358 of Congenital Generalized Lipodystrophy type 2 remains uncertain

Literature cited by the submitters: PubMed 35351089 (cited by Clinical Genomics, Uppaluri K&H Personalized Medicine Clinic); PubMed 18690553 (cited by Clinical Genomics, Uppaluri K&H Personalized Medicine Clinic); PubMed 31824185 (cited by Clinical Genomics, Uppaluri K&H Personalized Medicine Clinic).

NM_001122955.4(BSCL2):c.1299TTCTGC[1] (p.434SA[1])

Genes: BSCL2 (BSCL2 lipid droplet biogenesis associated, seipin; minus strand), HNRNPUL2-BSCL2 (HNRNPUL2-BSCL2 readthrough (NMD candidate); minus strand). Cytogenetic location: 11q12.3.
Variant type: Microsatellite.
Coding change: c.1299TTCTGC[1] on transcript NM_001122955.4 (MANE Select); one copy of the 6-base unit TTCTGC starting at c.1299; the reference has two copies in a row; one copy, 6 bases deleted.
Protein change: p.434SA[1].
Molecular consequence: inframe deletion. On other transcripts: non-coding transcript variant (1), 3 prime UTR variant (1).
Genome position (GRCh38, 1-based): chr11:62,690,446-62,690,451, GCAGAA deleted on the plus strand (TTCTGC on the coding strand, the reverse complement: BSCL2 is on the minus strand); deleting any 6 consecutive bases within chr11:62,690,446-62,690,461 gives the same sequence; the position shown is the placement nearest the transcript's 3' end. VCF-style (leftmost placement, unchanged base first): chr11-62690445-GGCAGAA-G. GRCh37 (hg19) VCF-style: chr11-62457917-GGCAGAA-G.
Other names: p.Ser372_Ala373del; c.1113_1118delTTCTGC (NM_032667.6); c.1305_1310del6 (NM_001122955.3); c.*101TTCTGC[1] (NM_001130702.2); c.1305TTCTGC[1], p.436SA[1] (NM_001386027.1); c.1299TTCTGC[1], p.434SA[1] (NM_001386028.1); c.1107TTCTGC[1], p.370SA[1] (NM_032667.6); c.1113_1118del (NM_032667.6).
Identifiers: ClinVar variation 393431 (VCV000393431.16), dbSNP rs747175358, ClinGen allele CA6053251.